The following is an entry in ClinVar:

ClinVar aggregate classification (germline): Uncertain significance (1 of 4 stars; one submission).

Submission:

GeneDx
Classification: Uncertain significance. Last evaluated: 2025-09-05. Review status: criteria provided, single submitter. Criteria: GeneDx Variant Classification Process June 2021. Collection method: clinical testing. Allele origin: germline. Affected: yes.
Comment: Nonsense variant predicted to result in protein truncation as the last 2097 amino acid(s) are lost; Not observed at significant frequency in large population cohorts (gnomAD); Not reported in association with cardiomyopathy or skeletal myopathy, but has been described in a patient with Brugada syndrome (PMID: 36354768); Reported using an alternate transcript (novex-3) of the gene; This variant is associated with the following publications: (PMID: 36354768)

NM_001267550.2(TTN):c.11311+1246C>T

Gene: TTN (titin; minus strand). Cytogenetic location: 2q31.2.
Variant type: single nucleotide variant.
Coding change: c.11311+1246C>T on transcript NM_001267550.2 (MANE Select); 1246 bases into the intron after coding-DNA position 11311, C replaced by T.
Molecular consequence: intron variant. On other transcripts: nonsense (1).
Genome position (GRCh38, 1-based): chr2:178,751,878, G>A on the plus strand (C>T on the coding strand, the complement: TTN is on the minus strand). VCF-style: chr2-178751878-G-A. GRCh37 (hg19) VCF-style: chr2-179616605-G-A.
Other names: c.10522C>T, p.Gln3508Ter (NM_133379.5); c.10222+1246C>T (NM_003319.4); c.10798+1246C>T (NM_133437.4); c.10597+1246C>T (NM_133432.3); c.10360+1246C>T (NM_133378.4, NM_001256850.1); short protein forms Q3508*.
Identifiers: ClinVar variation 4813268 (VCV004813268.1).